The following is an entry in ClinVar:

ClinVar aggregate classification (germline): Uncertain significance (1 of 4 stars; one submission).

Conditions:
Intellectual developmental disorder with autism and macrocephaly. Also called: CHD8-Related Neurodevelopmental Disorder with Overgrowth; Autism, susceptibility to, 18. Identifiers: Orphanet 642675, MedGen C3554373, MONDO:0014017, OMIM 615032.

Submission:

Institute of Human Genetics, University of Leipzig Medical Center
Classification: Uncertain significance for Intellectual developmental disorder with autism and macrocephaly. Last evaluated: 2023-10-23. Review status: criteria provided, single submitter. Criteria: ACMG Guidelines, 2015. Collection method: clinical testing. Allele origin: unknown. Inheritance: Autosomal dominant inheritance. Affected: yes.
Comment: Criteria applied: PVS1_MOD,PM2_SUP

NM_001170629.2(CHD8):c.7182+1G>A

Gene: CHD8 (chromodomain helicase DNA binding protein 8; minus strand). Cytogenetic location: 14q11.2.
Variant type: single nucleotide variant.
Coding change: c.7182+1G>A on transcript NM_001170629.2 (MANE Select); the canonical splice donor site of the intron after coding-DNA position 7182, G replaced by A.
Molecular consequence: splice donor variant.
Genome position (GRCh38, 1-based): chr14:21,390,946, C>T on the plus strand (G>A on the coding strand, the complement: CHD8 is on the minus strand). VCF-style: chr14-21390946-C-T. GRCh37 (hg19) VCF-style: chr14-21859105-C-T.
Other names: c.6345+1G>A (NM_020920.4).
Identifiers: ClinVar variation 2627603 (VCV002627603.3), dbSNP rs2501839163, ClinGen allele CA388876566.